The following is an entry in ClinVar:

ClinVar aggregate classification (germline): Benign/Likely benign. Review status: criteria provided, multiple submitters, no conflicts (2 of 4 stars). 3 submissions from 3 submitters: Benign (1); Likely benign (2). Last evaluated 2025-07-07.

Conditions:
Hereditary cancer-predisposing syndrome. Also called: Tumor predisposition; Hereditary Cancer Syndrome; Neoplastic Syndromes, Hereditary; Hereditary neoplastic syndrome. Identifiers: Orphanet 140162, MedGen C0027672, MeSH D009386, MONDO:0015356.
Tuberous sclerosis 2 (TSC2). Identifiers: Orphanet 805, MedGen C1860707, MONDO:0013199, OMIM 613254.

gnomAD v4.1: 2 of 1,612,718 alleles (0.00012%); highest among the groups gnomAD compares: East Asian, 0.0022%; no homozygotes.

Submissions (3):

Labcorp Genetics (formerly Invitae), Labcorp
Classification: Likely benign for Tuberous sclerosis 2. Last evaluated: 2025-07-07. Review status: criteria provided, single submitter. Criteria: Invitae Variant Classification Sherloc (09022015). Collection method: clinical testing. Allele origin: germline.

Myriad Genetics, Inc.
Classification: Benign for Tuberous sclerosis 2. Last evaluated: 2025-05-28. Review status: criteria provided, single submitter. Criteria: Myriad Autosomal Dominant, Autosomal Recessive and X-Linked Classification Criteria (2023). Collection method: clinical testing. Allele origin: unknown.
Comment: This variant is considered benign. This variant is a silent/synonymous amino acid change and it is not expected to impact splicing.

Ambry Genetics
Classification: Likely benign for Hereditary cancer-predisposing syndrome. Last evaluated: 2022-05-24. Review status: criteria provided, single submitter. Criteria: Ambry Variant Classification Scheme 2023. Collection method: clinical testing. Allele origin: germline.

NM_000548.5(TSC2):c.3255G>T (p.Ser1085=)

Gene: TSC2 (TSC complex subunit 2; plus strand). Cytogenetic location: 16p13.3.
Variant type: single nucleotide variant.
Coding change: c.3255G>T on transcript NM_000548.5 (MANE Select); coding-DNA position 3255, G replaced by T.
Protein change: p.Ser1085=; no amino-acid change (serine 1085 retained).
Molecular consequence: synonymous variant.
Genome position (GRCh38, 1-based): chr16:2,079,399, G>T. VCF-style: chr16-2079399-G-T. GRCh37 (hg19) VCF-style: chr16-2129400-G-T.
Other names: c.3123G>T, p.Ser1041= (NM_001077183.3, NM_001370404.1); c.3255G>T, p.Ser1085= (NM_001114382.3); c.3015G>T, p.Ser1005= (NM_001318827.2); c.2979G>T, p.Ser993= (NM_001318829.2); c.2523G>T, p.Ser841= (NM_001318831.2); c.3156G>T, p.Ser1052= (NM_001318832.2); c.3126G>T, p.Ser1042= (NM_001363528.2, NM_001370405.1, NM_021055.3).
Identifiers: ClinVar variation 754405 (VCV000754405.14), dbSNP rs750617693, ClinGen allele CA493042943.